The following is an entry in ClinVar:

NM_006946.4(SPTBN2):c.3817C>T (p.Arg1273Cys)

Gene: SPTBN2 (spectrin beta, non-erythrocytic 2; minus strand). Cytogenetic location: 11q13.2.
Variant type: single nucleotide variant.
Coding change: c.3817C>T on transcript NM_006946.4 (MANE Select); coding-DNA position 3817, C replaced by T.
Protein change: p.Arg1273Cys; replaces arginine 1273 with cysteine.
Molecular consequence: missense variant.
Genome position (GRCh38, 1-based): chr11:66,699,042, G>A on the plus strand (C>T on the coding strand, the complement: SPTBN2 is on the minus strand). VCF-style: chr11-66699042-G-A. GRCh37 (hg19) VCF-style: chr11-66466513-G-A.
Other names: c.3838C>T, p.Arg1280Cys (NM_001411025.1); c.3817C>T (NM_006946.2); short protein forms R1273C, R1280C.
Identifiers: ClinVar variation 2175140 (VCV002175140.6), dbSNP rs200709631, ClinGen allele CA6128750.
Genomic context (GRCh38, chr11:66,699,042, plus strand): 5'-GGAGCCTCACCTCGTGACAATCTTGCAGGAAATGCTGCTGCTCCCGGTTGTCCCGAAGAC[G>A]GCCCAGAAATTGCTGCGCTGCGTCTTGATTCTTCTTGTGCCTGGAACGACACCCTCTTGT-3'
Protein context (NP_008877.2, residues 1263-1283): NQDAAQQFLG[Arg1273Cys]LRDNREQQHF

ClinVar aggregate classification (germline): Conflicting classifications of pathogenicity. Review status: criteria provided, conflicting classifications (1 of 4 stars). 3 submissions from 3 submitters: Uncertain significance (2); Likely benign (1). Last evaluated 2026-06-16.

Conditions:
Inborn genetic diseases. Identifiers: MedGen C0950123, MeSH D030342.

Allele frequency attached by ClinVar (database versions not stated): 1000 Genomes Project 0.00020; ExAC 0.00002; gnomAD exomes 0.00001; TOPMed 0.00001; gnomAD 0.00002; 1000 Genomes Project 30x 0.00016.
gnomAD v4.1: 17 of 1,614,204 alleles (0.0011%); highest among the groups gnomAD compares: East Asian, 0.016%; no homozygotes.

Submissions (3):

Women's Health and Genetics/Laboratory Corporation of America, LabCorp
Classification: Uncertain significance. Last evaluated: 2026-06-16. Review status: criteria provided, single submitter. Criteria: LabCorp Variant Classification Summary - May 2015. Collection method: clinical testing. Allele origin: germline.
Comment: Variant summary: SPTBN2 c.3817C>T (p.Arg1273Cys) results in a non-conservative amino acid change in the encoded protein sequence. Algorithms developed to predict the effect of missense changes on protein structure and function are either unavailable or do not agree on the potential impact of this missense change. The variant allele was found at a frequency of 2.4e-05 in 251442 control chromosomes. The available data on variant occurrences in the general population are insufficient to allow any conclusion about variant significance. To our knowledge, no occurrence of c.3817C>T in individuals affected with SPTBN2-related conditions and no experimental evidence demonstrating its impact on protein function have been reported. ClinVar contains an entry for this variant (Variation ID: 2175140). Based on the evidence outlined above, the variant was classified as uncertain significance.

Ambry Genetics
Classification: Uncertain significance for Inborn genetic diseases. Last evaluated: 2025-01-07. Review status: criteria provided, single submitter. Criteria: Ambry Variant Classification Scheme 2023. Collection method: clinical testing. Allele origin: germline.

Labcorp Genetics (formerly Invitae), Labcorp
Classification: Likely benign. Last evaluated: 2022-11-29. Review status: criteria provided, single submitter. Criteria: Invitae Variant Classification Sherloc (09022015). Collection method: clinical testing. Allele origin: germline.